The following is an entry in ClinVar:

NM_032578.4(MYPN):c.2169G>A (p.Pro723=)

Gene: MYPN (myopalladin; plus strand). Cytogenetic location: 10q21.3.
Variant type: single nucleotide variant.
Coding change: c.2169G>A on transcript NM_032578.4 (MANE Select); coding-DNA position 2169, G replaced by A.
Protein change: p.Pro723=; no amino-acid change (proline 723 retained).
Molecular consequence: synonymous variant. On other transcripts: non-coding transcript variant (2).
Genome position (GRCh38, 1-based): chr10:68,174,261, G>A. VCF-style: chr10-68174261-G-A. GRCh37 (hg19) VCF-style: chr10-69934018-G-A.
Other names: p.Pro723=; c.2169G>A, p.Pro723= (NM_001256267.2); c.1287G>A, p.Pro429= (NM_001256268.2).
Identifiers: ClinVar variation 544051 (VCV000544051.18), dbSNP rs149357638, ClinGen allele CA5522743.

ClinVar aggregate classification (germline): Likely benign. Review status: criteria provided, multiple submitters, no conflicts (2 of 4 stars). 6 submissions from 6 submitters: Likely benign (6). Last evaluated 2025-11-27.

Conditions:
Cardiovascular phenotype. Identifiers: MedGen CN230736.
Dilated cardiomyopathy 1KK (CMD1KK). Identifiers: Orphanet 154, Orphanet 75249, MedGen C3714995, MONDO:0014100, OMIM 615248.
MYPN-related disorder. Also called: MYPN-related condition.

Allele frequency attached by ClinVar (database versions not stated): ESP Exome Variant Server 0.00008.
gnomAD v4.1: 190 of 1,613,962 alleles (0.012%); highest among the groups gnomAD compares: Non-Finnish European, 0.015%; 1 homozygote.

Submissions (6):

Labcorp Genetics (formerly Invitae), Labcorp
Classification: Likely benign for Dilated cardiomyopathy 1KK. Last evaluated: 2025-11-27. Review status: criteria provided, single submitter. Criteria: Invitae Variant Classification Sherloc (09022015). Collection method: clinical testing. Allele origin: germline.

Mayo Clinic Laboratories, Mayo Clinic
Classification: Likely benign. Last evaluated: 2025-10-31. Review status: criteria provided, single submitter. Criteria: ACMG Guidelines, 2015. Collection method: clinical testing. Allele origin: germline. Observed: 2 variant alleles.
Comment: BP4, BP7

PreventionGenetics, part of Exact Sciences
Classification: Likely benign for MYPN-related condition. Last evaluated: 2025-08-19. Review status: criteria provided, single submitter. Criteria: ACMG Guidelines, 2015. Collection method: clinical testing. Allele origin: germline.
Comment: This variant is classified as likely benign based on ACMG/AMP sequence variant interpretation guidelines (Richards et al. 2015 PMID: 25741868, with internal and published modifications).

Blueprint Genetics
Classification: Likely benign. Last evaluated: 2024-08-22. Review status: criteria provided, single submitter. Criteria: ACMG Guidelines, 2015. Collection method: clinical testing. Allele origin: germline.

GeneDx
Classification: Likely benign. Last evaluated: 2021-08-12. Review status: criteria provided, single submitter. Criteria: GeneDx Variant Classification Process June 2021. Collection method: clinical testing. Allele origin: germline. Affected: yes.
Comment: This variant is associated with the following publications: (PMID: 26582918)

Ambry Genetics
Classification: Likely benign for Cardiovascular phenotype. Last evaluated: 2019-05-30. Review status: criteria provided, single submitter. Criteria: Ambry Variant Classification Scheme 2023. Collection method: clinical testing. Allele origin: germline.